The following is an entry in ClinVar:

NM_000441.2(SLC26A4):c.1711G>T (p.Gly571Ter)

Gene: SLC26A4 (solute carrier family 26 member 4; plus strand). Cytogenetic location: 7q22.3.
Variant type: single nucleotide variant.
Coding change: c.1711G>T on transcript NM_000441.2 (MANE Select); coding-DNA position 1711, G replaced by T.
Protein change: p.Gly571Ter; replaces glycine 571 with a stop codon.
Molecular consequence: nonsense.
Genome position (GRCh38, 1-based): chr7:107,701,104, G>T. VCF-style: chr7-107701104-G-T. GRCh37 (hg19) VCF-style: chr7-107341549-G-T.
Other names: short protein forms G571*.
Identifiers: ClinVar variation 838987 (VCV000838987.8), dbSNP rs1791873485, ClinGen allele CA368842821.

ClinVar aggregate classification (germline): Pathogenic (1 of 4 stars; one submission).

Submission:

Labcorp Genetics (formerly Invitae), Labcorp
Classification: Pathogenic. Last evaluated: 2021-03-07. Review status: criteria provided, single submitter. Criteria: Invitae Variant Classification Sherloc (09022015). Collection method: clinical testing. Allele origin: germline.
Comment: This sequence change creates a premature translational stop signal (p.Gly571*) in the SLC26A4 gene. It is expected to result in an absent or disrupted protein product. This variant is not present in population databases (ExAC no frequency). This variant has not been reported in the literature in individuals with SLC26A4-related conditions. Loss-of-function variants in SLC26A4 are known to be pathogenic (PMID: 16283880, 25394566, 26252218, 26445815). For these reasons, this variant has been classified as Pathogenic.

Literature cited by the submitters: PubMed 16283880; PubMed 25394566; PubMed 26252218; PubMed 26445815.